The following is an entry in ClinVar:

NM_001040142.2(SCN2A):c.718G>T (p.Ala240Ser)

Gene: SCN2A (sodium voltage-gated channel alpha subunit 2; plus strand). Cytogenetic location: 2q24.3.
Variant type: single nucleotide variant.
Coding change: c.718G>T on transcript NM_001040142.2 (MANE Select); coding-DNA position 718, G replaced by T.
Protein change: p.Ala240Ser; replaces alanine 240 with serine.
Molecular consequence: missense variant.
Genome position (GRCh38, 1-based): chr2:165,310,343, G>T. VCF-style: chr2-165310343-G-T. GRCh37 (hg19) VCF-style: chr2-166166853-G-T.
Other names: c.718G>T, p.Ala240Ser (NM_001040143.2, NM_001371246.1, NM_001371247.1 and 1 more transcripts); short protein forms A240S.
Identifiers: ClinVar variation 1318908 (VCV001318908.8), dbSNP rs1064795014, ClinGen allele CA349017808.

ClinVar aggregate classification (germline): Pathogenic. Review status: criteria provided, multiple submitters, no conflicts (2 of 4 stars). 3 submissions from 3 submitters: Pathogenic (3). Last evaluated 2023-07-10.

Conditions:
Developmental and epileptic encephalopathy, 11 (DEE11). Also called: Early infantile epileptic encephalopathy 11. Identifiers: Orphanet 1934, MedGen C3150987, MONDO:0013388, OMIM 613721.
Seizures, benign familial infantile, 3 (BFIS3). Also called: CONVULSIONS, BENIGN FAMILIAL INFANTILE, 3; Familial neonatal seizures. Identifiers: Orphanet 140927, Orphanet 306, MedGen C1843140, MONDO:0011904, OMIM 607745.

Submissions (3):

Labcorp Genetics (formerly Invitae), Labcorp
Classification: Pathogenic for Seizures, benign familial infantile, 3; Developmental and epileptic encephalopathy, 11. Last evaluated: 2023-07-10. Review status: criteria provided, single submitter. Criteria: Invitae Variant Classification Sherloc (09022015). Collection method: clinical testing. Allele origin: germline.
Comment: For these reasons, this variant has been classified as Pathogenic. This variant disrupts the p.Ala240 amino acid residue in SCN2A. Other variant(s) that disrupt this residue have been determined to be pathogenic (Invitae). This suggests that this residue is clinically significant, and that variants that disrupt this residue are likely to be disease-causing. Advanced modeling of protein sequence and biophysical properties (such as structural, functional, and spatial information, amino acid conservation, physicochemical variation, residue mobility, and thermodynamic stability) performed at Invitae indicates that this missense variant is expected to disrupt SCN2A protein function. ClinVar contains an entry for this variant (Variation ID: 1318908). This missense change has been observed in individual(s) with clinical features of SCN2A-related conditions (PMID: 26291284; Invitae). In at least one individual the variant was observed to be de novo. This variant is not present in population databases (gnomAD no frequency). This sequence change replaces alanine, which is neutral and non-polar, with serine, which is neutral and polar, at codon 240 of the SCN2A protein (p.Ala240Ser).

Victorian Clinical Genetics Services, Murdoch Childrens Research Institute
Classification: Pathogenic for Developmental and epileptic encephalopathy, 11. Last evaluated: 2021-05-06. Review status: criteria provided, single submitter. Criteria: ACMG Guidelines, 2015. Collection method: clinical testing. Allele origin: germline. Inheritance: Autosomal dominant inheritance.
Comment: Based on the classification scheme VCGS_Germline_v1.3.4, this variant is classified as Pathogenic. Following criteria are met: 0103 - Loss of function and gain of function are known mechanisms of disease in this gene and are associated with SCN2A-related disorders. Missense variants causing a gain in function, result in either developmental and epileptic encephalopathy 11 (MIM#613721) or benign familial infantile seizures 3 (MIM#607745). Variants displaying a loss of function effect cause autism spectrum disorder and/or intellectual disability, with or without childhood-onset seizures; the functional consequence of truncating variants is unknown (OMIM, PMID: 29691040). (I) 0107 - This gene is associated with autosomal dominant disease. (I) 0200 - Variant is predicted to result in a missense amino acid change from alanine to serine. (I) 0254 - This variant is potentially mosaic. (I) 0301 - Variant is absent from gnomAD (both v2 and v3). (SP) 0502 - Missense variant with conflicting in silico predictions and uninformative conservation. (I) 0603 - Missense variant in a region that is highly intolerant to missense variation (high constraint region in DECIPHER). (SP) 0702 - Other missense variants comparable to the one identified in this case have strong previous evidence for pathogenicity. These alternative changes (p.(Ala240Thr), p.(Ala240Phe), p.(Ala240Val)) have been reported several times as likely pathogenic or pathogenic in individuals with SCN2A-related conditions. In most of these individuals, the variant was de novo (ClinVar, PMID: 29655203). (SP) 0807 - This variant has no previous evidence of pathogenicity. (I) 0905 - No published segregation evidence has been identified for this variant. (I) 1007 - No published functional evidence has been identified for this variant. (SP) Legend: (SP) - Supporting pathogenic, (I) - Information, (SB) - Supporting benign

GeneDx
Classification: Pathogenic. Last evaluated: 2020-12-30. Review status: criteria provided, single submitter. Criteria: GeneDx Variant Classification Process June 2021. Collection method: clinical testing. Allele origin: germline. Affected: yes.
Comment: Not observed in large population cohorts (Lek et al., 2016); Missense variants in this gene are often considered pathogenic (Stenson et al., 2014); In silico analysis supports that this missense variant has a deleterious effect on protein structure/function; This variant is associated with the following publications: (PMID: 32090326, 26291284)

Literature cited by the submitters: PubMed 26291284 (cited by Labcorp Genetics (formerly Invitae), Labcorp and Victorian Clinical Genetics Services, Murdoch Childrens Research Institute); PubMed 29655203 (cited by Victorian Clinical Genetics Services, Murdoch Childrens Research Institute); PubMed 29691040 (cited by Victorian Clinical Genetics Services, Murdoch Childrens Research Institute).